The following is an entry in ClinVar:

ClinVar aggregate classification (germline): Pathogenic/Likely pathogenic. Review status: criteria provided, multiple submitters, no conflicts (2 of 4 stars). 2 submissions from 2 submitters: Pathogenic (1); Likely pathogenic (1). Last evaluated 2024-03-13.

Conditions:
Fanconi anemia (FA). Also called: Fanconi's anemia. Identifiers: Orphanet 84, MedGen C0015625, MeSH D005199, MONDO:0019391.
Fanconi anemia complementation group L (FANCL). Also called: FANCL-Related Fanconi Anemia. Identifiers: Orphanet 84, MedGen C3469528, MONDO:0013566, OMIM 614083.

Allele frequency attached by ClinVar (database versions not stated): gnomAD exomes below 0.00001; TOPMed 0.00001.
gnomAD v4.1: 2 of 1,614,052 alleles (0.00012%); highest among the groups gnomAD compares: Non-Finnish European, 0.00017%; no homozygotes.

Submissions (2):

Baylor Genetics
Classification: Likely pathogenic for Fanconi anemia complementation group L. Last evaluated: 2024-03-13. Review status: criteria provided, single submitter. Criteria: ACMG Guidelines, 2015. Collection method: clinical testing. Allele origin: unknown.

Labcorp Genetics (formerly Invitae), Labcorp
Classification: Pathogenic for Fanconi anemia. Last evaluated: 2023-09-03. Review status: criteria provided, single submitter. Criteria: Invitae Variant Classification Sherloc (09022015). Collection method: clinical testing. Allele origin: germline.
Comment: This sequence change creates a premature translational stop signal (p.Trp212*) in the FANCL gene. It is expected to result in an absent or disrupted protein product. Loss-of-function variants in FANCL are known to be pathogenic (PMID: 19405097, 23613520). For these reasons, this variant has been classified as Pathogenic. This variant has not been reported in the literature in individuals affected with FANCL-related conditions. This variant is not present in population databases (gnomAD no frequency).

Literature cited by the submitters: PubMed 19405097 (cited by Labcorp Genetics (formerly Invitae), Labcorp); PubMed 23613520 (cited by Labcorp Genetics (formerly Invitae), Labcorp).

NM_018062.4(FANCL):c.636G>A (p.Trp212Ter)

Gene: FANCL (FA complementation group L; minus strand). Cytogenetic location: 2p16.1.
Variant type: single nucleotide variant.
Coding change: c.636G>A on transcript NM_018062.4 (MANE Select); coding-DNA position 636, G replaced by A.
Protein change: p.Trp212Ter; replaces tryptophan 212 with a stop codon.
Molecular consequence: nonsense.
Genome position (GRCh38, 1-based): chr2:58,165,779, C>T on the plus strand (G>A on the coding strand, the complement: FANCL is on the minus strand). VCF-style: chr2-58165779-C-T. GRCh37 (hg19) VCF-style: chr2-58392914-C-T.
Other names: c.651G>A, p.Trp217Ter (NM_001114636.2); c.681G>A, p.Trp227Ter (NM_001374615.1); c.696G>A, p.Trp232Ter (NM_001410792.1); short protein forms W212*, W217*, W227*, W232*.
Identifiers: ClinVar variation 2675679 (VCV002675679.5), dbSNP rs1685876126, ClinGen allele CA346937036.